The following is an entry in ClinVar:

NM_001080467.3(MYO5B):c.1423C>A (p.Gln475Lys)

Gene: MYO5B (myosin VB; minus strand). Cytogenetic location: 18q21.1.
Variant type: single nucleotide variant.
Coding change: c.1423C>A on transcript NM_001080467.3 (MANE Select); coding-DNA position 1423, C replaced by A.
Protein change: p.Gln475Lys; replaces glutamine 475 with lysine.
Molecular consequence: missense variant.
Genome position (GRCh38, 1-based): chr18:49,962,388, G>T on the plus strand (C>A on the coding strand, the complement: MYO5B is on the minus strand). VCF-style: chr18-49962388-G-T. GRCh37 (hg19) VCF-style: chr18-47488758-G-T.
Other names: short protein forms Q475K.
Identifiers: ClinVar variation 4743143 (VCV004743143.1).

ClinVar aggregate classification (germline): Uncertain significance (1 of 4 stars; one submission).

Submission:

Labcorp Genetics (formerly Invitae), Labcorp
Classification: Uncertain significance. Last evaluated: 2025-09-12. Review status: criteria provided, single submitter. Criteria: Invitae Variant Classification Sherloc (09022015). Collection method: clinical testing. Allele origin: germline.
Comment: This sequence change replaces glutamine, which is neutral and polar, with lysine, which is basic and polar, at codon 475 of the MYO5B protein (p.Gln475Lys). This variant is not present in population databases (gnomAD no frequency). This variant has not been reported in the literature in individuals affected with MYO5B-related conditions. Invitae Evidence Modeling of protein sequence and biophysical properties (such as structural, functional, and spatial information, amino acid conservation, physicochemical variation, residue mobility, and thermodynamic stability) indicates that this missense variant is expected to disrupt MYO5B protein function with a positive predictive value of 80%. In summary, the available evidence is currently insufficient to determine the role of this variant in disease. Therefore, it has been classified as a Variant of Uncertain Significance.